The following is an entry in ClinVar:

ClinVar aggregate classification (germline): Benign/Likely benign. Review status: criteria provided, multiple submitters, no conflicts (2 of 4 stars). 4 submissions from 4 submitters: Benign (2); Likely benign (2). Last evaluated 2026-02-03.

Allele frequency attached by ClinVar (database versions not stated): 1000 Genomes Project 0.00619; 1000 Genomes Project 30x 0.00671; TOPMed 0.00827; gnomAD 0.01004 and 0.01029; ESP Exome Variant Server 0.01017; gnomAD exomes 0.01241 and 0.01354; ExAC 0.01281.
gnomAD v4.1: 21,288 of 1,611,196 alleles (1.3%); highest among the groups gnomAD compares: South Asian, 2.5%; 188 homozygotes.

Submissions (4):

Labcorp Genetics (formerly Invitae), Labcorp
Classification: Benign. Last evaluated: 2026-02-03. Review status: criteria provided, single submitter. Criteria: Invitae Variant Classification Sherloc (09022015). Collection method: clinical testing. Allele origin: germline.

Mayo Clinic Laboratories, Mayo Clinic
Classification: Benign. Last evaluated: 2024-07-08. Review status: criteria provided, single submitter. Criteria: ACMG Guidelines, 2015. Collection method: clinical testing. Allele origin: germline. Observed: 11 variant alleles.
Comment: BA1, BP4, BP7

GeneDx
Classification: Likely benign. Last evaluated: 2020-05-04. Review status: criteria provided, single submitter. Criteria: GeneDx Variant Classification Process June 2021. Collection method: clinical testing. Allele origin: germline. Affected: yes.

Breakthrough Genomics
Classification: Likely benign. Review status: criteria provided, single submitter. Criteria: ACMG Guidelines, 2015. Collection method: not provided. Allele origin: germline. Inheritance: Autosomal recessive inheritance. Affected: yes.

NM_032228.6(FAR1):c.1176A>G (p.Glu392=)

Gene: FAR1 (fatty acyl-CoA reductase 1; plus strand). Cytogenetic location: 11p15.3.
Variant type: single nucleotide variant.
Coding change: c.1176A>G on transcript NM_032228.6 (MANE Select); coding-DNA position 1176, A replaced by G.
Protein change: p.Glu392=; no amino-acid change (glutamic acid 392 retained).
Molecular consequence: synonymous variant.
Genome position (GRCh38, 1-based): chr11:13,721,778, A>G. VCF-style: chr11-13721778-A-G. GRCh37 (hg19) VCF-style: chr11-13743325-A-G.
Other names: p.Glu392=.
Identifiers: ClinVar variation 1206657 (VCV001206657.13), dbSNP rs34341612, ClinGen allele CA5893478.
Genomic context (GRCh38, chr11:13,721,778, plus strand): 5'-CTTACAATACAGGATGATGAAAACAATAACTCGTCTTCACAAAGCTATGGTGTTTCTTGA[A>G]TATTTCACAAGTAATTCTTGGGTTTGGAATACTGAGAATGTCAATATGTTAATGAATCAA-3'
Protein context (NP_115604.1, residues 382-402): TRLHKAMVFL[Glu392=]YFTSNSWVWN